The following is an entry in ClinVar:

ClinVar aggregate classification (germline): Likely pathogenic (1 of 4 stars; one submission).

Conditions:
Mucolipidosis type II. Also called: ML II ALPHA/BETA; Mucolipidosis 2; ML 2; Inclusion cell disease; Leroy Disease; N-acetylglucosamine 1phosphotransferase deficiency. Identifiers: Orphanet 576, MedGen C2673377, MONDO:0009650, OMIM 252500.
Pseudo-Hurler polydystrophy. Also called: ML III; ML III ALPHA/BETA; Mucolipidosis III Alpha/Beta; Type III Mucolipidosis; ML IIIA; MUCOLIPIDOSIS IIIA. Identifiers: Orphanet 423461, Orphanet 577, MedGen C0033788, MONDO:0018931, OMIM 252600.

gnomAD v4.1: 1 of 1,530,138 alleles (0.000065%); highest among the groups gnomAD compares: Non-Finnish European, 0.00009%; no homozygotes.

Submission:

Diagnostics Division, CENTRE FOR DNA FINGERPRINTING AND DIAGNOSTICS
Classification: Likely pathogenic for Mucolipidosis type II; Pseudo-Hurler polydystrophy. Last evaluated: 2016-01-01. Review status: criteria provided, single submitter. Criteria: ACMG Guidelines, 2015. Collection method: research. Allele origin: unknown. Affected: yes. Observed: 1 homozygote.
Comment: Splicing variant

NM_024312.5(GNPTAB):c.3336-1G>A

Gene: GNPTAB (N-acetylglucosamine-1-phosphate transferase subunits alpha and beta; minus strand). Cytogenetic location: 12q23.2.
Variant type: single nucleotide variant.
Coding change: c.3336-1G>A on transcript NM_024312.5 (MANE Select); the canonical splice acceptor site of the intron before coding-DNA position 3336, G replaced by A.
Molecular consequence: splice acceptor variant.
Genome position (GRCh38, 1-based): chr12:101,757,311, C>T on the plus strand (G>A on the coding strand, the complement: GNPTAB is on the minus strand). VCF-style: chr12-101757311-C-T. GRCh37 (hg19) VCF-style: chr12-102151089-C-T.
Identifiers: ClinVar variation 397572 (VCV000397572.3), dbSNP rs397507562, ClinGen allele CA501186.
Genomic context (GRCh38, chr12:101,757,311, plus strand): 5'-TGAGAAACGTTGGTACGAATCATTTTAAAAGCGATTTCTTCTTCTCCCATGATTTCAAAC[C>T]TAATTATCAAAACATATTTGAAGAGTTTAAATAATTACATGGATATAAAAAATAAAACTT-3'